The following is an entry in ClinVar:

ClinVar aggregate classification (germline): Uncertain significance (1 of 4 stars; one submission).

Conditions:
Charcot-Marie-Tooth disease recessive intermediate C. Also called: CHARCOT-MARIE-TOOTH NEUROPATHY, RECESSIVE INTERMEDIATE C. Identifiers: Orphanet 369867, MedGen C3809309, MONDO:0014154, OMIM 615376.
Neuronopathy, distal hereditary motor, autosomal recessive 4. Also called: Autosomal recessive lower motor neuron disease with childhood onset; NEUROPATHY, DISTAL HEREDITARY MOTOR, AUTOSOMAL RECESSIVE 4. Identifiers: Orphanet 206580, MedGen C1970211, MONDO:0012608, OMIM 611067.

Allele frequency attached by ClinVar (database versions not stated): gnomAD 0.00001; TOPMed 0.00001.
gnomAD v4.1: 8 of 1,612,194 alleles (0.0005%); highest among the groups gnomAD compares: African/African-American, 0.0013%; no homozygotes.

Submission:

Labcorp Genetics (formerly Invitae), Labcorp
Classification: Uncertain significance for Neuronopathy, distal hereditary motor, autosomal recessive 4; Charcot-Marie-Tooth disease recessive intermediate C. Last evaluated: 2021-08-28. Review status: criteria provided, single submitter. Criteria: Invitae Variant Classification Sherloc (09022015). Collection method: clinical testing. Allele origin: germline.
Comment: This sequence change replaces isoleucine with phenylalanine at codon 87 of the PLEKHG5 protein (p.Ile87Phe). The isoleucine residue is moderately conserved and there is a small physicochemical difference between isoleucine and phenylalanine. This variant is not present in population databases (ExAC no frequency). This variant has not been reported in the literature in individuals affected with PLEKHG5-related conditions. Algorithms developed to predict the effect of missense changes on protein structure and function are either unavailable or do not agree on the potential impact of this missense change (SIFT: "Deleterious"; PolyPhen-2: "Possibly Damaging"; Align-GVGD: "Class C0"). In summary, the available evidence is currently insufficient to determine the role of this variant in disease. Therefore, it has been classified as a Variant of Uncertain Significance.

NM_020631.6(PLEKHG5):c.259A>T (p.Ile87Phe)

Gene: PLEKHG5 (pleckstrin homology and RhoGEF domain containing G5; minus strand). Cytogenetic location: 1p36.31.
Variant type: single nucleotide variant.
Coding change: c.259A>T on transcript NM_020631.6 (MANE Select); coding-DNA position 259, A replaced by T.
Protein change: p.Ile87Phe; replaces isoleucine 87 with phenylalanine.
Molecular consequence: missense variant.
Genome position (GRCh38, 1-based): chr1:6,475,090, T>A on the plus strand (A>T on the coding strand, the complement: PLEKHG5 is on the minus strand). VCF-style: chr1-6475090-T-A. GRCh37 (hg19) VCF-style: chr1-6535150-T-A.
Other names: c.370A>T, p.Ile124Phe (NM_001042663.3, NM_001265592.2); c.259A>T, p.Ile87Phe (NM_001042664.2, NM_001042665.2, NM_001265594.3 and 1 more transcripts); c.466A>T, p.Ile156Phe (NM_001265593.2); short protein forms I87F, I156F, I124F.
Identifiers: ClinVar variation 851187 (VCV000851187.7), dbSNP rs756639742, ClinGen allele CA338140093.